The following is an entry in ClinVar:

ClinVar aggregate classification (germline): Uncertain significance. Review status: criteria provided, multiple submitters, no conflicts (2 of 4 stars). 3 submissions from 3 submitters: Uncertain significance (2). 1 of the submissions does not count toward it. Last evaluated 2025-04-17.

Conditions:
Duane-radial ray syndrome (DRRS). Also called: ACRORENOOCULAR SYNDROME; DR SYNDROME; DUANE ANOMALY WITH RADIAL RAY ABNORMALITIES AND DEAFNESS; Okihiro Syndrome; Duane-Radial Ray Syndrome/Okihiro Syndrome; Duane-Radial Ray Syndrome (DRRS) / Okihiro Syndrome. Identifiers: Orphanet 93293, Orphanet 959, MedGen C1623209, MONDO:0011812, OMIM 607323. Disease mechanism: gain of function.
SALL4-Related Disorders. Also called: SALL4-related condition; SALL4-related disorder. Identifiers: MedGen CN381056.
Oculootoradial syndrome (IVIC). Also called: RADIAL RAY DEFECTS, HEARING IMPAIRMENT, EXTERNAL OPHTHALMOPLEGIA, AND THROMBOCYTOPENIA; IVIC syndrome. Identifiers: Orphanet 2307, MedGen C1327918, MONDO:0007836, OMIM 147750.

Allele frequency attached by ClinVar (database versions not stated): ExAC 0.00003; gnomAD 0.00004; TOPMed 0.00004; gnomAD exomes 0.00005; ESP Exome Variant Server 0.00015.
gnomAD v4.1: 71 of 1,614,034 alleles (0.0044%); highest among the groups gnomAD compares: Non-Finnish European, 0.0059%; no homozygotes.

Submissions (3):

Labcorp Genetics (formerly Invitae), Labcorp
Classification: Uncertain significance for Duane-radial ray syndrome. Last evaluated: 2025-04-17. Review status: criteria provided, single submitter. Criteria: Invitae Variant Classification Sherloc (09022015). Collection method: clinical testing. Allele origin: germline.
Comment: This sequence change falls in intron 3 of the SALL4 gene. It does not directly change the encoded amino acid sequence of the SALL4 protein. It affects a nucleotide within the consensus splice site. This variant is present in population databases (rs373371118, gnomAD 0.005%). This variant has not been reported in the literature in individuals affected with SALL4-related conditions. ClinVar contains an entry for this variant (Variation ID: 2086094). Variants that disrupt the consensus splice site are a relatively common cause of aberrant splicing (PMID: 17576681, 9536098). Algorithms developed to predict the effect of sequence changes on RNA splicing suggest that this variant is not likely to affect RNA splicing. In summary, the available evidence is currently insufficient to determine the role of this variant in disease. Therefore, it has been classified as a Variant of Uncertain Significance.

Fulgent Genetics
Classification: Uncertain significance for Oculootoradial syndrome; Duane-radial ray syndrome. Last evaluated: 2023-12-27. Review status: criteria provided, single submitter. Criteria: ACMG Guidelines, 2015. Collection method: clinical testing. Allele origin: germline.

PreventionGenetics, part of Exact Sciences
Classification: Likely benign for SALL4-related condition. Last evaluated: 2019-03-28. Review status: no assertion criteria provided. Collection method: clinical testing. Allele origin: germline. Not counted in ClinVar's aggregate classification.
Comment: This variant is classified as likely benign based on ACMG/AMP sequence variant interpretation guidelines (Richards et al. 2015 PMID: 25741868, with internal and published modifications).

Literature cited by the submitters: PubMed 17576681 (cited by Labcorp Genetics (formerly Invitae), Labcorp); PubMed 9536098 (cited by Labcorp Genetics (formerly Invitae), Labcorp).

NM_020436.5(SALL4):c.2743-3T>C

Gene: SALL4 (spalt like transcription factor 4; minus strand). Cytogenetic location: 20q13.2.
Variant type: single nucleotide variant.
Coding change: c.2743-3T>C on transcript NM_020436.5 (MANE Select); 3 bases into the intron before coding-DNA position 2743, T replaced by C.
Molecular consequence: intron variant.
Genome position (GRCh38, 1-based): chr20:51,784,687, A>G on the plus strand (T>C on the coding strand, the complement: SALL4 is on the minus strand). VCF-style: chr20-51784687-A-G. GRCh37 (hg19) VCF-style: chr20-50401226-A-G.
Other names: c.1432-3T>C (NM_001318031.2); c.2743-3T>C (NM_020436.4).
Identifiers: ClinVar variation 2086094 (VCV002086094.7), dbSNP rs373371118, ClinGen allele CA9912014.
Genomic context (GRCh38, chr20:51,784,687, plus strand): 5'-CCAACTTCCTTCCACGGCGGGCTGAGTTATTGTTCGCCCCGTGTGTCATGTAGTGAACCT[A>G]TGGGAACAGGACAGAAAGGTTTTTACCAAAATAGAGATTTGAAGCTCACTGGCAAGCCAA-3'